The following is an entry in ClinVar:

NM_130466.4(UBE3B):c.1136A>G (p.His379Arg)

Gene: UBE3B (ubiquitin protein ligase E3B; plus strand). Cytogenetic location: 12q24.11.
Variant type: single nucleotide variant.
Coding change: c.1136A>G on transcript NM_130466.4 (MANE Select); coding-DNA position 1136, A replaced by G.
Protein change: p.His379Arg; replaces histidine 379 with arginine.
Molecular consequence: missense variant.
Genome position (GRCh38, 1-based): chr12:109,501,388, A>G. VCF-style: chr12-109501388-A-G. GRCh37 (hg19) VCF-style: chr12-109939193-A-G.
Other names: c.1136A>G, p.His379Arg (NM_183415.3); short protein forms H379R.
Identifiers: ClinVar variation 2160562 (VCV002160562.2), dbSNP rs766063381, ClinGen allele CA6777816.

ClinVar aggregate classification (germline): Uncertain significance (1 of 4 stars; one submission).

Allele frequency attached by ClinVar (database versions not stated): gnomAD 0.00001; TOPMed 0.00001; ExAC 0.00003.
gnomAD v4.1: 4 of 1,614,034 alleles (0.00025%); highest among the groups gnomAD compares: Admixed American, 0.0067%; no homozygotes.

Submission:

Labcorp Genetics (formerly Invitae), Labcorp
Classification: Uncertain significance. Last evaluated: 2022-04-06. Review status: criteria provided, single submitter. Criteria: Invitae Variant Classification Sherloc (09022015). Collection method: clinical testing. Allele origin: germline.
Comment: This sequence change replaces histidine, which is basic and polar, with arginine, which is basic and polar, at codon 379 of the UBE3B protein (p.His379Arg). This variant is present in population databases (rs766063381, gnomAD 0.01%). This variant has not been reported in the literature in individuals affected with UBE3B-related conditions. Algorithms developed to predict the effect of missense changes on protein structure and function (SIFT, PolyPhen-2, Align-GVGD) all suggest that this variant is likely to be tolerated. In summary, the available evidence is currently insufficient to determine the role of this variant in disease. Therefore, it has been classified as a Variant of Uncertain Significance.